The following is an entry in ClinVar:

NM_198252.3(GSN):c.616C>T (p.Arg206Ter)

Gene: GSN (gelsolin; plus strand). Cytogenetic location: 9q33.2.
Variant type: single nucleotide variant.
Coding change: c.616C>T on transcript NM_198252.3 (MANE Select); coding-DNA position 616, C replaced by T.
Protein change: p.Arg206Ter; replaces arginine 206 with a stop codon.
Molecular consequence: nonsense. On other transcripts: 5 prime UTR variant (1).
Genome position (GRCh38, 1-based): chr9:121,312,441, C>T. VCF-style: chr9-121312441-C-T. GRCh37 (hg19) VCF-style: chr9-124074719-C-T.
Other names: c.769C>T, p.Arg257Ter (NM_000177.5); c.616C>T, p.Arg206Ter (NM_001127662.2, NM_001127664.2, NM_001127665.2 and 10 more transcripts); c.724C>T, p.Arg242Ter (NM_001127663.2); c.649C>T, p.Arg217Ter (NM_001127666.2, NM_001127667.2, NM_001353063.2 and 13 more transcripts); c.667C>T, p.Arg223Ter (NM_001258029.2); c.640C>T, p.Arg214Ter (NM_001258030.2); c.688C>T, p.Arg230Ter (NM_001353076.2); c.-39C>T (NM_001353078.2); short protein forms R206*, R214*, R217*, R223*, R230*, R242*, R257*.
Identifiers: ClinVar variation 1163312 (VCV001163312.11), dbSNP rs376060588, ClinGen allele CA5220949.
Genomic context (GRCh38, chr9:121,312,441, plus strand): 5'-AGACTGAAGGCCACACAGGTGTCCAAGGGCATCCGGGACAACGAGCGGAGTGGCCGGGCC[C>T]GAGTGCACGTGTCTGAGGAGGGCACTGAGCCCGAGGCGATGCTCCAGGTGCCTGTGGGGT-3'

ClinVar aggregate classification (germline): Uncertain significance. Review status: criteria provided, multiple submitters, no conflicts (2 of 4 stars). 4 submissions from 4 submitters: Uncertain significance (4). Last evaluated 2023-07-26.

Conditions:
Finnish type amyloidosis. Also called: Amyloidosis, familial, Finnish type; Meretoja type amyloidosis; Amyloidosis 5; AMYLOID CRANIAL NEUROPATHY WITH LATTICE CORNEAL DYSTROPHY; AMYLOIDOSIS DUE TO MUTANT GELSOLIN; AMYLOIDOSIS, HEREDITARY SYSTEMIC 4, FINNISH TYPE. Identifiers: Orphanet 85448, MedGen C1622345, MONDO:0007097, OMIM 105120.

Allele frequency attached by ClinVar (database versions not stated): gnomAD 0.00001; gnomAD exomes 0.00002 and 0.00006; TOPMed 0.00002; ESP Exome Variant Server 0.00008; ExAC 0.00009.
gnomAD v4.1: 33 of 1,613,930 alleles (0.002%); highest among the groups gnomAD compares: Admixed American, 0.017%; no homozygotes.

Submissions (4):

Revvity Omics, Revvity
Classification: Uncertain significance for Finnish type amyloidosis. Last evaluated: 2023-07-26. Review status: criteria provided, single submitter. Criteria: ACMG Guidelines, 2015. Collection method: clinical testing. Allele origin: germline.

Fulgent Genetics
Classification: Uncertain significance for Finnish type amyloidosis. Last evaluated: 2022-05-12. Review status: criteria provided, single submitter. Criteria: ACMG Guidelines, 2015. Collection method: clinical testing. Allele origin: unknown.

Labcorp Genetics (formerly Invitae), Labcorp
Classification: Uncertain significance. Last evaluated: 2022-03-02. Review status: criteria provided, single submitter. Criteria: Invitae Variant Classification Sherloc (09022015). Collection method: clinical testing. Allele origin: germline.
Comment: This sequence change creates a premature translational stop signal (p.Arg257*) in the GSN gene. It is expected to result in an absent or disrupted protein product. However, the current clinical and genetic evidence is not sufficient to establish whether loss-of-function variants in GSN cause disease. This variant is present in population databases (rs376060588, gnomAD 0.03%). This variant has not been reported in the literature in individuals affected with GSN-related conditions. ClinVar contains an entry for this variant (Variation ID: 1163312). In summary, the available evidence is currently insufficient to determine the role of this variant in disease. Therefore, it has been classified as a Variant of Uncertain Significance.

Mayo Clinic Laboratories, Mayo Clinic
Classification: Uncertain significance. Last evaluated: 2019-12-24. Review status: criteria provided, single submitter. Criteria: ACMG Guidelines, 2015. Collection method: clinical testing. Allele origin: germline. Observed: 1 variant allele.